The following is an entry in ClinVar:

ClinVar aggregate classification (germline): Benign/Likely benign. Review status: criteria provided, multiple submitters, no conflicts (2 of 4 stars). 6 submissions from 6 submitters: Benign (3); Likely benign (3). Last evaluated 2026-01-24.

Conditions:
Retinitis pigmentosa (RP). Identifiers: Orphanet 791, MedGen C0035334, MeSH D012174, MONDO:0019200, OMIM 268000. Inheritance: Autosomal dominant, autosomal recessive and X linked inheritance.
Retinitis pigmentosa 54 (RP54). Identifiers: Orphanet 791, MedGen C3150691, MONDO:0013263, OMIM 613428.

Allele frequency attached by ClinVar (database versions not stated): gnomAD exomes 0.00123 and 0.00332; ExAC 0.00378; 1000 Genomes Project 30x 0.01202; gnomAD 0.01291 and 0.01391; 1000 Genomes Project 0.01298; ESP Exome Variant Server 0.01375; TOPMed 0.01462.
gnomAD v4.1: 3,838 of 1,613,874 alleles (0.24%); highest among the groups gnomAD compares: African/African-American, 4.5%; 75 homozygotes.

Submissions (6):

Labcorp Genetics (formerly Invitae), Labcorp
Classification: Benign. Last evaluated: 2026-01-24. Review status: criteria provided, single submitter. Criteria: Invitae Variant Classification Sherloc (09022015). Collection method: clinical testing. Allele origin: germline.

CeGaT Center for Human Genetics Tuebingen
Classification: Benign. Last evaluated: 2023-06-01. Review status: criteria provided, single submitter. Criteria: CeGaT Center For Human Genetics Tuebingen Variant Classification Criteria Version 2. Collection method: clinical testing. Allele origin: germline. Affected: yes. Observed: 1 variant allele.
Comment: PCARE: BP4, BS1, BS2

Mendelics
Classification: Likely benign for Retinitis pigmentosa 54. Last evaluated: 2019-05-28. Review status: criteria provided, single submitter. Criteria: Mendelics Assertion Criteria 2017. Collection method: clinical testing. Allele origin: unknown.

Illumina Laboratory Services, Illumina
Classification: Likely benign for Retinitis pigmentosa. Last evaluated: 2017-04-27. Review status: criteria provided, single submitter. Criteria: ICSL Variant Classification Criteria 13 December 2019. Collection method: clinical testing. Allele origin: germline.
Comment: This variant was observed as part of a predisposition screen in an ostensibly healthy population. A literature search was performed for the gene, cDNA change, and amino acid change (where applicable). Publications were found based on this search. The evidence from the literature, in combination with allele frequency data from public databases where available, was sufficient to determine this variant is unlikely to cause disease. Therefore, this variant is classified as likely benign.

Eurofins Ntd Llc (ga)
Classification: Benign. Last evaluated: 2016-12-29. Review status: criteria provided, single submitter. Criteria: EGL Classification Definitions 2015. Collection method: clinical testing. Allele origin: germline. Observed: 1 variant allele, 1 heterozygote.

Breakthrough Genomics
Classification: Likely benign. Review status: criteria provided, single submitter. Criteria: ACMG Guidelines, 2015. Collection method: not provided. Allele origin: germline. Inheritance: Unknown mechanism. Affected: yes.

Literature cited by the submitters: PubMed 20811058 (cited by Illumina Laboratory Services, Illumina); PubMed 21412943 (cited by Illumina Laboratory Services, Illumina).

NM_001029883.3(PCARE):c.1844T>A (p.Val615Asp)

Gene: PCARE (photoreceptor cilium actin regulator; minus strand). Cytogenetic location: 2p23.2.
Variant type: single nucleotide variant.
Coding change: c.1844T>A on transcript NM_001029883.3 (MANE Select); coding-DNA position 1844, T replaced by A.
Protein change: p.Val615Asp; replaces valine 615 with aspartic acid.
Molecular consequence: missense variant.
Genome position (GRCh38, 1-based): chr2:29,072,418, A>T on the plus strand (T>A on the coding strand, the complement: PCARE is on the minus strand). VCF-style: chr2-29072418-A-T. GRCh37 (hg19) VCF-style: chr2-29295284-A-T.
Other names: short protein forms V615D.
Identifiers: ClinVar variation 498856 (VCV000498856.45), dbSNP rs140776870, ClinGen allele CA1592342.
Genomic context (GRCh38, chr2:29,072,418, plus strand): 5'-CCCTGCCCTTTGGCACCCAGGGCATAAAATGCCTCCAGCTTCTGACTGAGGTCCCTCTGG[A>T]CCCTTCGCAGCTCCTGAAAGGTGGGGTCCTCCACGTGACTCTGGAGACACGACTCTGACT-3'
Protein context (NP_001025054.1, residues 605-625): EDPTFQELRR[Val615Asp]QRDLSQKLEA